The following is an entry in ClinVar:

ClinVar aggregate classification (germline): Uncertain significance. Review status: criteria provided, multiple submitters, no conflicts (2 of 4 stars). 4 submissions from 4 submitters: Uncertain significance (3). 1 of the submissions does not count toward it. Last evaluated 2024-03-11.

Conditions:
Hereditary cancer-predisposing syndrome. Also called: Hereditary Cancer Syndrome; Neoplastic Syndromes, Hereditary; Hereditary neoplastic syndrome; Tumor predisposition. Identifiers: Orphanet 140162, MedGen C0027672, MeSH D009386, MONDO:0015356.
Breast-ovarian cancer, familial, susceptibility to, 1 (BROVCA1). Also called: BRCA1 Hereditary Breast and Ovarian Cancer; OVARIAN CANCER, SUSCEPTIBILITY TO. Identifiers: Orphanet 145, MedGen C2676676, MONDO:0011450, OMIM 604370. Disease mechanism: loss of function.
Hereditary breast ovarian cancer syndrome. Also called: Hereditary breast and/or ovarian cancer syndrome; Hereditary breast and ovarian cancer syndrome; Hereditary breast and ovarian cancer; Hereditary breast and ovarian cancer syndrome (HBOC); Breast and ovarian cancer; BRCA1- and BRCA2-Associated Hereditary Breast and Ovarian Cancer. Identifiers: Orphanet 145, MedGen C0677776, MeSH D061325, MONDO:0003582. Disease mechanism: loss of function.

Submissions (4):

Ambry Genetics
Classification: Uncertain significance for Hereditary cancer-predisposing syndrome. Last evaluated: 2024-03-11. Review status: criteria provided, single submitter. Criteria: Ambry Variant Classification Scheme 2023. Collection method: clinical testing. Allele origin: germline.
Comment: The p.Y130C variant (also known as c.389A>G), located in coding exon 5 of the BRCA1 gene, results from an A to G substitution at nucleotide position 389. The tyrosine at codon 130 is replaced by cysteine, an amino acid with highly dissimilar properties. This amino acid position is well conserved in available vertebrate species. In addition, this alteration is predicted to be deleterious by in silico analysis. Based on the available evidence, the clinical significance of this alteration remains unclear.

Labcorp Genetics (formerly Invitae), Labcorp
Classification: Uncertain significance for Hereditary breast ovarian cancer syndrome. Last evaluated: 2020-09-13. Review status: criteria provided, single submitter. Criteria: Invitae Variant Classification Sherloc (09022015). Collection method: clinical testing. Allele origin: germline.
Comment: This variant has not been reported in the literature in individuals with BRCA1-related conditions. ClinVar contains an entry for this variant (Variation ID: 96919). This sequence change replaces tyrosine with cysteine at codon 130 of the BRCA1 protein (p.Tyr130Cys). The tyrosine residue is moderately conserved and there is a large physicochemical difference between tyrosine and cysteine. This variant is not present in population databases (ExAC no frequency). Advanced modeling of protein sequence and biophysical properties (such as structural, functional, and spatial information, amino acid conservation, physicochemical variation, residue mobility, and thermodynamic stability) performed at Invitae indicates that this missense variant is not expected to disrupt BRCA1 protein function. In summary, the available evidence is currently insufficient to determine the role of this variant in disease. Therefore, it has been classified as a Variant of Uncertain Significance.

Women's Health and Genetics/Laboratory Corporation of America, LabCorp
Classification: Uncertain significance. Last evaluated: 2016-11-30. Review status: criteria provided, single submitter. Criteria: LabCorp Variant Classification Summary - May 2015. Collection method: clinical testing. Allele origin: germline.
Comment: Variant summary: The BRCA1 c.389A>G (p.Tyr130Cys) variant causes a missense change involving a non-conserved nucleotide, which 4/4 in silico tools (SNPs&GO not captured here due to low reliability index) predict a damaging outcome, although these predictions have yet to be functionally assessed. The variant of interest has not been observed in controls (ExAC, 1000 Gs, or ESP), nor has it been, to our knowledge, reported in affected individuals via publications. Although, databases cite the variant as "uncertain significance." Therefore, the variant of interest has been classified as a "Variant of Uncertain Significance (VUS)," until additional information becomes available (ie, clinical and functional studies).

Sharing Clinical Reports Project (SCRP)
Classification: Uncertain significance for Breast-ovarian cancer, familial 1. Last evaluated: 2008-04-08. Review status: no assertion criteria provided. Collection method: clinical testing. Allele origin: germline. Not counted in ClinVar's aggregate classification.

NM_007294.4(BRCA1):c.389A>G (p.Tyr130Cys)

Gene: BRCA1 (BRCA1 DNA repair associated; minus strand). Cytogenetic location: 17q21.31.
Variant type: single nucleotide variant.
Coding change: c.389A>G on transcript NM_007294.4 (MANE Select); coding-DNA position 389, A replaced by G.
Protein change: p.Tyr130Cys; replaces tyrosine 130 with cysteine.
Molecular consequence: missense variant. On other transcripts: non-coding transcript variant (1).
Genome position (GRCh38, 1-based): chr17:43,104,174, T>C on the plus strand (A>G on the coding strand, the complement: BRCA1 is on the minus strand). VCF-style: chr17-43104174-T-C. GRCh37 (hg19) VCF-style: chr17-41256191-T-C.
Other names: 508A>G; c.311A>G, p.Tyr104Cys (NM_001408476.1, NM_001407653.1, NM_001407654.1 and 21 more transcripts); c.179A>G, p.Tyr60Cys (NM_001408478.1, NM_001408479.1, NM_001408480.1 and 58 more transcripts); c.389A>G, p.Tyr130Cys (NM_001408494.1, NM_001408495.1, NM_007298.4 and 165 more transcripts); c.248A>G, p.Tyr83Cys (NM_001408496.1, NM_001408497.1, NM_001408498.1 and 99 more transcripts); c.8A>G, p.Tyr3Cys (NM_001408510.1, NM_001408512.1, NM_001407959.1 and 4 more transcripts); c.380A>G, p.Tyr127Cys (NM_001407646.1, NM_001407647.1, NM_001408408.1); c.257A>G, p.Tyr86Cys (NM_001408451.1); short protein forms Y130C, Y83C, Y3C, Y60C, Y104C, Y127C, Y86C.
Identifiers: ClinVar variation 96919 (VCV000096919.13), dbSNP rs56055578, ClinGen allele CA002507.